The following is an entry in ClinVar:

ClinVar aggregate classification (germline): Benign. Review status: criteria provided, single submitter (1 of 4 stars). 2 submissions from 2 submitters: Benign (1). 1 of the submissions does not count toward it. Last evaluated 2026-02-01.

Conditions:
ARIH1-related disorder. Also called: ARIH1-related condition.

Allele frequency attached by ClinVar (database versions not stated): gnomAD exomes 0.00019 and 0.00095; gnomAD 0.00022 and 0.00023; 1000 Genomes Project 0.00040; TOPMed 0.00044; ExAC 0.00071; 1000 Genomes Project 30x 0.00078.
gnomAD v4.1: 305 of 1,614,156 alleles (0.019%); highest among the groups gnomAD compares: Admixed American, 0.47%; 2 homozygotes.

Submissions (2):

Labcorp Genetics (formerly Invitae), Labcorp
Classification: Benign. Last evaluated: 2026-02-01. Review status: criteria provided, single submitter. Criteria: Invitae Variant Classification Sherloc (09022015). Collection method: clinical testing. Allele origin: germline.

PreventionGenetics, part of Exact Sciences
Classification: Likely benign for ARIH1-related condition. Last evaluated: 2019-12-16. Review status: no assertion criteria provided. Collection method: clinical testing. Allele origin: germline. Not counted in ClinVar's aggregate classification.
Comment: This variant is classified as likely benign based on ACMG/AMP sequence variant interpretation guidelines (Richards et al. 2015 PMID: 25741868, with internal and published modifications).

NM_005744.5(ARIH1):c.1302A>G (p.Leu434=)

Gene: ARIH1 (ariadne RBR E3 ubiquitin protein ligase 1; plus strand). Cytogenetic location: 15q24.1.
Variant type: single nucleotide variant.
Coding change: c.1302A>G on transcript NM_005744.5 (MANE Select); coding-DNA position 1302, A replaced by G.
Protein change: p.Leu434=; no amino-acid change (leucine 434 retained).
Molecular consequence: synonymous variant.
Genome position (GRCh38, 1-based): chr15:72,580,817, A>G. VCF-style: chr15-72580817-A-G. GRCh37 (hg19) VCF-style: chr15-72873158-A-G.
Other names: c.1302A>G (NM_005744.3).
Identifiers: ClinVar variation 1544882 (VCV001544882.10), dbSNP rs144813486, ClinGen allele CA7645739.